The following is an entry in ClinVar:

NM_014714.4(IFT140):c.459G>T (p.Thr153=)

Genes: IFT140 (intraflagellar transport 140; minus strand), LOC105371046 (uncharacterized LOC105371046; plus strand). Cytogenetic location: 16p13.3.
Variant type: single nucleotide variant.
Coding change: c.459G>T on transcript NM_014714.4 (MANE Select); coding-DNA position 459, G replaced by T.
Protein change: p.Thr153=; no amino-acid change (threonine 153 retained).
Molecular consequence: synonymous variant.
Genome position (GRCh38, 1-based): chr16:1,592,499, C>A on the plus strand (G>T on the coding strand, the complement: IFT140 is on the minus strand). VCF-style: chr16-1592499-C-A. GRCh37 (hg19) VCF-style: chr16-1642500-C-A.
Identifiers: ClinVar variation 318213 (VCV000318213.18), dbSNP rs61739554, ClinGen allele CA7814702.

ClinVar aggregate classification (germline): Benign. Review status: criteria provided, multiple submitters, no conflicts (2 of 4 stars). 4 submissions from 4 submitters: Benign (4). Last evaluated 2026-02-02.

Conditions:
Saldino-Mainzer syndrome (SRTD9). Also called: Renal dysplasia, retinal pigmentary dystrophy, cerebellar ataxia and skeletal dysplasia; SHORT-RIB THORACIC DYSPLASIA 9 WITHOUT POLYDACTYLY; CONORENAL SYNDROME; short-rib thoracic dysplasia 9 with or without polydactyly. Identifiers: Orphanet 140969, MedGen C1849437, MONDO:0009964, OMIM 266920.

Allele frequency attached by ClinVar (database versions not stated): ExAC 0.00601; TOPMed 0.01963; ESP Exome Variant Server 0.02154; 1000 Genomes Project 0.02296; 1000 Genomes Project 30x 0.02467.
gnomAD v4.1: 5,909 of 1,614,194 alleles (0.37%); highest among the groups gnomAD compares: African/African-American, 6.6%; 182 homozygotes.

Submissions (4):

Labcorp Genetics (formerly Invitae), Labcorp
Classification: Benign for Saldino-Mainzer syndrome. Last evaluated: 2026-02-02. Review status: criteria provided, single submitter. Criteria: Invitae Variant Classification Sherloc (09022015). Collection method: clinical testing. Allele origin: germline.

GeneDx
Classification: Benign. Last evaluated: 2021-05-04. Review status: criteria provided, single submitter. Criteria: GeneDx Variant Classification Process June 2021. Collection method: clinical testing. Allele origin: germline. Affected: yes.

Illumina Laboratory Services, Illumina
Classification: Benign for Saldino-Mainzer syndrome. Last evaluated: 2018-01-13. Review status: criteria provided, single submitter. Criteria: ICSL Variant Classification Criteria 13 December 2019. Collection method: clinical testing. Allele origin: germline.
Comment: This variant was observed in the ICSL laboratory as part of a predisposition screen in an ostensibly healthy population. It had not been previously curated by ICSL or reported in the Human Gene Mutation Database (HGMD: prior to June 1st, 2018), and was therefore a candidate for classification through an automated scoring system. Utilizing variant allele frequency, disease prevalence and penetrance estimates, and inheritance mode, an automated score was calculated to assess if this variant is too frequent to cause the disease. Based on the score and internal cut-off values, a variant classified as benign is not then subjected to further curation. The score for this variant resulted in a classification of benign for this disease.

Breakthrough Genomics
Classification: Benign. Review status: criteria provided, single submitter. Criteria: ACMG Guidelines, 2015. Collection method: not provided. Allele origin: germline. Inheritance: Autosomal recessive inheritance. Affected: yes.